The following is an entry in ClinVar:

NM_014484.5(MOCS3):c.376G>C (p.Val126Leu)

Gene: MOCS3 (molybdenum cofactor synthesis 3; plus strand). Cytogenetic location: 20q13.13.
Variant type: single nucleotide variant.
Coding change: c.376G>C on transcript NM_014484.5 (MANE Select); coding-DNA position 376, G replaced by C.
Protein change: p.Val126Leu; replaces valine 126 with leucine.
Molecular consequence: missense variant.
Genome position (GRCh38, 1-based): chr20:50,959,218, G>C. VCF-style: chr20-50959218-G-C. GRCh37 (hg19) VCF-style: chr20-49575755-G-C.
Other names: short protein forms V126L.
Identifiers: ClinVar variation 3691912 (VCV003691912.2).

ClinVar aggregate classification (germline): Uncertain significance (1 of 4 stars; one submission).

Submission:

Labcorp Genetics (formerly Invitae), Labcorp
Classification: Uncertain significance. Last evaluated: 2024-08-12. Review status: criteria provided, single submitter. Criteria: Invitae Variant Classification Sherloc (09022015). Collection method: clinical testing. Allele origin: germline.
Comment: This sequence change replaces valine, which is neutral and non-polar, with leucine, which is neutral and non-polar, at codon 126 of the MOCS3 protein (p.Val126Leu). This variant is not present in population databases (gnomAD no frequency). This variant has not been reported in the literature in individuals affected with MOCS3-related conditions. An algorithm developed to predict the effect of missense changes on protein structure and function (PolyPhen-2) suggests that this variant is likely to be tolerated. In summary, the available evidence is currently insufficient to determine the role of this variant in disease. Therefore, it has been classified as a Variant of Uncertain Significance.